The following is an entry in ClinVar:

ClinVar aggregate classification (germline): Pathogenic/Likely pathogenic. Review status: criteria provided, multiple submitters, no conflicts (2 of 4 stars). 8 submissions from 8 submitters: Pathogenic (6); Likely pathogenic (1). 1 of the submissions does not count toward it. Last evaluated 2025-10-09.

Conditions:
Cardiovascular phenotype. Identifiers: MedGen CN230736.
Charcot-Marie-Tooth disease type 2. Also called: Charcot-Marie-Tooth type 2. Identifiers: Orphanet 64746, MedGen C0270914, MONDO:0018993.
Congenital muscular dystrophy due to LMNA mutation. Also called: Congenital muscular dystrophy, LMNA-related; Lamin A-related Congenital Muscular Dystrophy. Identifiers: Orphanet 157973, MedGen C2750785, MONDO:0013178, OMIM 613205.
Familial partial lipodystrophy, Dunnigan type. Also called: LIPODYSTROPHY, FAMILIAL, OF LIMBS AND LOWER TRUNK; LIPODYSTROPHY, REVERSE PARTIAL; Partial lipodystrophy, Dunnigan. Identifiers: Orphanet 2348, MedGen C1720860, MONDO:0007906, OMIM 151660.
Abnormality of the musculature. Identifiers: MedGen C4021745, HP:0003011.

Submissions (8):

Ambry Genetics
Classification: Pathogenic for Cardiovascular phenotype. Last evaluated: 2025-10-09. Review status: criteria provided, single submitter. Criteria: Ambry Variant Classification Scheme 2023. Collection method: clinical testing. Allele origin: germline.
Comment: The p.T528R pathogenic mutation (also known as c.1583C>G), located in coding exon 9 of the LMNA gene, results from a C to G substitution at nucleotide position 1583. The threonine at codon 528 is replaced by arginine, an amino acid with similar properties. This variant was reported in individual(s) with features consistent with LMNA-related laminopathy (Vytopil M et al. J Med Genet, 2003 Dec;40:e132; Scharner J et al. Hum Mutat, 2011 Feb;32:152-67; Zhang L et al. Mol Med Rep, 2015 Oct;12:5065-71; Lee Y et al. J Clin Neurol, 2017 Oct;13:405-410; Sivitskaya LN et al. Acta Myol, 2017 Dec;36:207-212; Stehl&iacute;kov&aacute; K et al. Clin Genet, 2017 Mar;91:463-469; Peretto G et al. Ann Intern Med, 2019 Oct;171:458-463; Ben Yaou R et al. Brain Commun, 2021 Jul;3:fcab075; Debnath A et al. Cureus, 2024 Nov;16:e74805). This amino acid position is highly conserved in available vertebrate species. In addition, this alteration is predicted to be deleterious by in silico analysis. This variant is considered to be rare based on population cohorts in the Genome Aggregation Database (gnomAD). Based on the supporting evidence, this variant is interpreted as a disease-causing mutation.

Labcorp Genetics (formerly Invitae), Labcorp
Classification: Pathogenic for Charcot-Marie-Tooth disease type 2. Last evaluated: 2024-11-05. Review status: criteria provided, single submitter. Criteria: Invitae Variant Classification Sherloc (09022015). Collection method: clinical testing. Allele origin: germline.
Comment: This sequence change replaces threonine, which is neutral and polar, with arginine, which is basic and polar, at codon 528 of the LMNA protein (p.Thr528Arg). This variant is not present in population databases (gnomAD no frequency). This missense change has been observed in individuals with autosomal dominant Emery-Dreifuss muscular dystrophy (PMID: 14684700, 20376791, 26165385). It has also been observed to segregate with disease in related individuals. ClinVar contains an entry for this variant (Variation ID: 66850). Invitae Evidence Modeling of protein sequence and biophysical properties (such as structural, functional, and spatial information, amino acid conservation, physicochemical variation, residue mobility, and thermodynamic stability) indicates that this missense variant is expected to disrupt LMNA protein function with a positive predictive value of 95%. For these reasons, this variant has been classified as Pathogenic.

GeneDx
Classification: Pathogenic. Last evaluated: 2024-10-27. Review status: criteria provided, single submitter. Criteria: GeneDx Variant Classification Process June 2021. Collection method: clinical testing. Allele origin: germline. Affected: yes.
Comment: Identified in patients with Emery-Dreifuss muscular dystrophy in the published literature, however, segregation and detailed clinical information were not provided for many of these individuals (PMID: 27363342, 26165385, 34240052, 14684700); A different missense change at this residue T528M has been reported at GeneDx in association with LMNA-related Hutchinson-Gilford progeria spectrum disorder and LMNA-related laminopathy (PMID: 16825282, 28641778); In silico analysis supports that this missense variant has a deleterious effect on protein structure/function; Not observed at significant frequency in large population cohorts (gnomAD); This variant is associated with the following publications: (PMID: 24375749, 34240052, 26165385, 14684700, 20376791, 29770364, 10939567, 27363342, 29057633, 38374194, 20848652, 34862408, 16825282, 28641778, 36552752)

CeGaT Center for Human Genetics Tuebingen
Classification: Pathogenic. Last evaluated: 2022-01-01. Review status: criteria provided, single submitter. Criteria: CeGaT Center For Human Genetics Tuebingen Variant Classification Criteria Version 2. Collection method: clinical testing. Allele origin: germline. Affected: yes. Observed: 1 variant allele.

Kariminejad - Najmabadi Pathology & Genetics Center
Classification: Pathogenic for Abnormality of the musculature. Last evaluated: 2021-07-10. Review status: criteria provided, single submitter. Criteria: ACMG Guidelines, 2015. Collection method: clinical testing. Allele origin: de novo. Affected: yes.

Eurofins Ntd Llc (ga)
Classification: Pathogenic. Last evaluated: 2017-11-21. Review status: criteria provided, single submitter. Criteria: EGL Classification Definitions 2015. Collection method: clinical testing. Allele origin: germline. Observed: 4 variant alleles, 4 heterozygotes.

Genetic Services Laboratory, University of Chicago
Classification: Likely pathogenic for Lipodystrophy, familial partial, 2. Last evaluated: 2013-02-08. Review status: criteria provided, single submitter. Criteria: ACMG Guidelines, 2007. Collection method: clinical testing. Allele origin: germline. Affected: yes.

Epithelial Biology;  Institute of Medical Biology, Singapore
No classification provided. Review status: no classification provided. Collection method: not provided. Allele origin: not provided. Not counted in ClinVar's aggregate classification.

Literature cited by the submitters: PubMed 14684700 (cited by 3 submitters); PubMed 20848652 (cited by Ambry Genetics and Eurofins Ntd Llc (ga)); PubMed 26165385 (cited by Ambry Genetics and Labcorp Genetics (formerly Invitae), Labcorp); PubMed 27447704 (cited by Ambry Genetics); PubMed 29057633 (cited by Ambry Genetics); PubMed 29770364 (cited by Ambry Genetics); PubMed 31476771 (cited by Ambry Genetics); PubMed 34240052 (cited by Ambry Genetics); PubMed 39737306 (cited by Ambry Genetics); PubMed 20376791 (cited by Labcorp Genetics (formerly Invitae), Labcorp).

NM_170707.4(LMNA):c.1583C>G (p.Thr528Arg)

Gene: LMNA (lamin A/C; plus strand). Cytogenetic location: 1q22.
Variant type: single nucleotide variant.
Coding change: c.1583C>G on transcript NM_170707.4 (MANE Select); coding-DNA position 1583, C replaced by G.
Protein change: p.Thr528Arg; replaces threonine 528 with arginine.
Molecular consequence: missense variant.
Genome position (GRCh38, 1-based): chr1:156,137,207, C>G. VCF-style: chr1-156137207-C-G. GRCh37 (hg19) VCF-style: chr1-156106998-C-G.
Other names: c.1247C>G, p.Thr416Arg (NM_001257374.3); c.1340C>G, p.Thr447Arg (NM_001282624.2); c.1583C>G, p.Thr528Arg (NM_001282625.2, NM_001282626.2, NM_005572.4 and 1 more transcripts); short protein forms T528R, T416R, T447R.
Identifiers: ClinVar variation 66850 (VCV000066850.70), dbSNP rs57629361, ClinGen allele CA017510.